The following is an entry in ClinVar:

ClinVar aggregate classification (germline): Likely pathogenic. Review status: criteria provided, multiple submitters, no conflicts (2 of 4 stars). 4 submissions from 4 submitters: Likely pathogenic (3). 1 of the submissions does not count toward it. Last evaluated 2025-10-03.

Conditions:
Focal segmental glomerulosclerosis 2 (FSGS2). Identifiers: Orphanet 656, MedGen C1858915, MONDO:0011390, OMIM 603965.

Allele frequency attached by ClinVar (database versions not stated): gnomAD exomes below 0.00001; gnomAD 0.00001; TOPMed 0.00001.
gnomAD v4.1: 8 of 1,613,898 alleles (0.0005%); highest among the groups gnomAD compares: Non-Finnish European, 0.00068%; no homozygotes.

Submissions (4):

Variantyx, Inc.
Classification: Likely pathogenic for Focal segmental glomerulosclerosis 2. Last evaluated: 2025-10-03. Review status: criteria provided, single submitter. Criteria: Variantyx Assertion Criteria 2022. Collection method: clinical testing. Allele origin: germline. Inheritance: Autosomal dominant inheritance. Affected: yes.
Comment: This is a nonsynonymous variant in the TRPC6 gene (OMIM: 603652). Pathogenic variants in this gene have been associated with autosomal dominant focal segmental glomerulosclerosis 2. This variant has been observed to segregate with disease in at least 3 individuals from one family (PMID: 23291369) (PP1_Moderate). Functional studies have shown that this variant alters TRPC6 protein function (PMID: 23291369, 26892346) (PS3) and an alternate amino acid change(s) at this position (p.Arg175Trp) have been previously reported in similarly affected individuals, which suggests that this residue is biologically important (PMID: 28204945, 33884742) (PM5). This variant has a 0.0007% maximum allele frequency in non-founder control populations (PM2). Based on the current evidence, this variant is classified as likely pathogenic for autosomal dominant focal segmental glomerulosclerosis 2.

Fulgent Genetics
Classification: Likely pathogenic for Focal segmental glomerulosclerosis 2. Last evaluated: 2024-03-27. Review status: criteria provided, single submitter. Criteria: ACMG Guidelines, 2015. Collection method: clinical testing. Allele origin: germline.

Labcorp Genetics (formerly Invitae), Labcorp
Classification: Likely pathogenic. Last evaluated: 2019-10-15. Review status: criteria provided, single submitter. Criteria: Invitae Variant Classification Sherloc (09022015). Collection method: clinical testing. Allele origin: germline.
Comment: In summary, the currently available evidence indicates that the variant is pathogenic, but additional data are needed to prove that conclusively. Therefore, this variant has been classified as Likely Pathogenic. This variant is not present in population databases (ExAC no frequency). This variant has been observed to segregate with focal segmental glomerulosclerosis in a family (PMID: 23291369). This sequence change replaces arginine with glutamine at codon 175 of the TRPC6 protein (p.Arg175Gln). The arginine residue is highly conserved and there is a small physicochemical difference between arginine and glutamine. This variant disrupts the p.Arg175 amino acid residue in TRPC6. Other variant(s) that disrupt this residue have been observed in individuals with TRPC6-related conditions (PMID: 28204945, 30295827), which suggests that this may be a clinically significant amino acid residue. This variant has been reported to affect TRPC6 protein function (PMID: 23291369, 26892346).

Bioscientia Institut fuer Medizinische Diagnostik GmbH, Sonic Healthcare
Classification: Pathogenic for Focal segmental glomerulosclerosis 2. Last evaluated: 2019-04-04. Review status: no assertion criteria provided. Collection method: clinical testing. Allele origin: germline. Affected: yes. Not counted in ClinVar's aggregate classification.

Literature cited by the submitters: PubMed 23291369 (cited by Variantyx, Inc. and Labcorp Genetics (formerly Invitae), Labcorp); PubMed 26892346 (cited by Variantyx, Inc. and Labcorp Genetics (formerly Invitae), Labcorp); PubMed 28204945 (cited by Variantyx, Inc. and Labcorp Genetics (formerly Invitae), Labcorp); PubMed 33884742 (cited by Variantyx, Inc.); PubMed 30295827 (cited by Labcorp Genetics (formerly Invitae), Labcorp).

NM_004621.6(TRPC6):c.524G>A (p.Arg175Gln)

Gene: TRPC6 (transient receptor potential cation channel subfamily C member 6; minus strand). Cytogenetic location: 11q22.1.
Variant type: single nucleotide variant.
Coding change: c.524G>A on transcript NM_004621.6 (MANE Select); coding-DNA position 524, G replaced by A.
Protein change: p.Arg175Gln; replaces arginine 175 with glutamine.
Molecular consequence: missense variant.
Genome position (GRCh38, 1-based): chr11:101,504,445, C>T on the plus strand (G>A on the coding strand, the complement: TRPC6 is on the minus strand). VCF-style: chr11-101504445-C-T. GRCh37 (hg19) VCF-style: chr11-101375176-C-T.
Other names: short protein forms R175Q.
Identifiers: ClinVar variation 829823 (VCV000829823.13), dbSNP rs1451194842, ClinGen allele CA382450169.